The following is an entry in ClinVar:

ClinVar aggregate classification (germline): Uncertain significance (1 of 4 stars; one submission).

Conditions:
Candidiasis, familial, 9 (CANDF9). Identifiers: Orphanet 1334, MedGen C4225324, MONDO:0014642, OMIM 616445.

Allele frequency attached by ClinVar (database versions not stated): gnomAD exomes below 0.00001.

Submission:

Labcorp Genetics (formerly Invitae), Labcorp
Classification: Uncertain significance for Candidiasis, familial, 9. Last evaluated: 2024-10-24. Review status: criteria provided, single submitter. Criteria: Invitae Variant Classification Sherloc (09022015). Collection method: clinical testing. Allele origin: germline.
Comment: This sequence change replaces cysteine, which is neutral and slightly polar, with arginine, which is basic and polar, at codon 151 of the IL17RC protein (p.Cys151Arg). This variant is not present in population databases (gnomAD no frequency). This variant has not been reported in the literature in individuals affected with IL17RC-related conditions. An algorithm developed to predict the effect of missense changes on protein structure and function (PolyPhen-2) suggests that this variant is likely to be disruptive. In summary, the available evidence is currently insufficient to determine the role of this variant in disease. Therefore, it has been classified as a Variant of Uncertain Significance.

NM_153460.4(IL17RC):c.238T>C (p.Cys80Arg)

Gene: IL17RC (interleukin 17 receptor C; plus strand). Cytogenetic location: 3p25.3.
Variant type: single nucleotide variant.
Coding change: c.238T>C on transcript NM_153460.4 (MANE Select); coding-DNA position 238, T replaced by C.
Protein change: p.Cys80Arg; replaces cysteine 80 with arginine.
Molecular consequence: missense variant. On other transcripts: non-coding transcript variant (1).
Genome position (GRCh38, 1-based): chr3:9,918,033, T>C. VCF-style: chr3-9918033-T-C. GRCh37 (hg19) VCF-style: chr3-9959717-T-C.
Other names: c.238T>C, p.Cys80Arg (NM_001203265.2, NM_001367278.1, NM_001367279.1 and 5 more transcripts); c.451T>C, p.Cys151Arg (NM_153461.4); short protein forms C151R, C80R.
Identifiers: ClinVar variation 2787175 (VCV002787175.3), dbSNP rs2470089319, ClinGen allele CA351755316.